The following is an entry in ClinVar:

NM_000070.3(CAPN3):c.1126T>G (p.Trp376Gly)

Gene: CAPN3 (calpain 3; plus strand). Cytogenetic location: 15q15.1.
Variant type: single nucleotide variant.
Coding change: c.1126T>G on transcript NM_000070.3 (MANE Select); coding-DNA position 1126, T replaced by G.
Protein change: p.Trp376Gly; replaces tryptophan 376 with glycine.
Molecular consequence: missense variant.
Genome position (GRCh38, 1-based): chr15:42,396,810, T>G. VCF-style: chr15-42396810-T-G. GRCh37 (hg19) VCF-style: chr15-42689008-T-G.
Other names: c.1126T>G, p.Trp376Gly (NM_024344.2); c.982T>G, p.Trp328Gly (NM_173087.2); short protein forms W376G, W328G.
Identifiers: ClinVar variation 420388 (VCV000420388.2), dbSNP rs1064794448, ClinGen allele CA16619928.
Genomic context (GRCh38, chr15:42,396,810, plus strand): 5'-TCAGGCCTTCCCTTCTTCCTGCTTCCTTAATTCCTCCATTTTCCCACCAGATGGAAGGAC[T>G]GGAGCTTTGTGGACAAAGATGAGAAGGCCCGTCTGCAGCACCAGGTCACTGAGGATGGAG-3'
Protein context (NP_000061.1, residues 366-386): NGSWSDRWKD[Trp376Gly]SFVDKDEKAR

ClinVar aggregate classification (germline): Uncertain significance (1 of 4 stars; one submission).

Submission:

GeneDx
Classification: Uncertain significance. Last evaluated: 2016-01-19. Review status: criteria provided, single submitter. Criteria: GeneDx Variant Classification (06012015). Collection method: clinical testing. Allele origin: germline. Affected: yes.
Comment: A variant of uncertain significance has also been identified in the CAPN3 gene. The W376G variant has not been published as a pathogenic variant, nor has it been reported as a benign variant to our knowledge. It was not observed in approximately 6,500 individuals of European and African American ancestry in the NHLBI Exome Sequencing Project, indicating it is not a common benign variant in these populations. The W376G variant is a semi-conservative amino acid substitution, which may impact secondary protein structure as these residues differ in some properties. Additionally, this substitution occurs at a position that is conserved across species, and in silico analysis predicts this variant is probably damaging to the protein structure/function. Furthermore, missense variants in nearby residues (G367S, W373R, R386C) have been reported in the Human Gene Mutation Database in association with limb-girdle muscular dystrophy (Stenson et al., 2014), supporting the functional importance of this region of the protein. Therefore, based on the currently available information, it is unclear whether this variant is a pathogenic variant or a rare benign variant.